The following is an entry in ClinVar:

NM_000245.4(MET):c.1393-6G>A

Gene: MET (MET proto-oncogene, receptor tyrosine kinase; plus strand). Cytogenetic location: 7q31.2.
Variant type: single nucleotide variant.
Coding change: c.1393-6G>A on transcript NM_000245.4 (MANE Select); 6 bases into the intron before coding-DNA position 1393, G replaced by A.
Molecular consequence: intron variant.
Genome position (GRCh38, 1-based): chr7:116,739,944, G>A. VCF-style: chr7-116739944-G-A. GRCh37 (hg19) VCF-style: chr7-116379998-G-A.
Other names: c.1393-6G>A (NM_001127500.3, NM_001324401.3, NM_001127500.2); c.103-6G>A (NM_001324402.2).
Identifiers: ClinVar variation 246623 (VCV000246623.17), dbSNP rs202194405, ClinGen allele CA4448157.

ClinVar aggregate classification (germline): Likely benign. Review status: criteria provided, multiple submitters, no conflicts (2 of 4 stars). 7 submissions from 7 submitters: Likely benign (5). 2 of the submissions do not count toward it. Last evaluated 2026-05-20.

Conditions:
MET-related disorder. Also called: MET-related condition.
Renal cell carcinoma. Identifiers: Orphanet 217071, MedGen C0007134, MeSH D002292, MONDO:0005086, HP:0005584.
Papillary renal cell carcinoma type 1 (RCCP1). Also called: Renal adenocarcinoma; Renal cell carcinoma 1; Renal cell carcinoma, somatic; RENAL CELL CARCINOMA, PAPILLARY, 1, SOMATIC. Identifiers: Orphanet 47044, MedGen C1336839, OMIM 605074, HP:0011797.

Allele frequency attached by ClinVar (database versions not stated): gnomAD 0.00001; TOPMed 0.00001; ExAC 0.00004; gnomAD exomes 0.00004.
gnomAD v4.1: 28 of 1,613,840 alleles (0.0017%); highest among the groups gnomAD compares: Admixed American, 0.01%; no homozygotes.

Submissions (7):

PreventionGenetics, part of Exact Sciences
Classification: Likely benign for MET-related condition. Last evaluated: 2026-05-20. Review status: criteria provided, single submitter. Criteria: ACMG Guidelines, 2015. Collection method: clinical testing. Allele origin: germline.
Comment: This variant is classified as likely benign based on ACMG/AMP sequence variant interpretation guidelines (Richards et al. 2015 PMID: 25741868, with internal and published modifications).

Labcorp Genetics (formerly Invitae), Labcorp
Classification: Likely benign for Renal cell carcinoma. Last evaluated: 2026-01-18. Review status: criteria provided, single submitter. Criteria: Invitae Variant Classification Sherloc (09022015). Collection method: clinical testing. Allele origin: germline.

Myriad Genetics, Inc.
Classification: Likely benign for Papillary renal cell carcinoma type 1. Last evaluated: 2024-11-07. Review status: criteria provided, single submitter. Criteria: Myriad Autosomal Dominant, Autosomal Recessive and X-Linked Classification Criteria (2023). Collection method: clinical testing. Allele origin: unknown.
Comment: This variant is considered likely benign. This variant is intronic and is not expected to impact mRNA splicing.

Blueprint Genetics
Classification: Likely benign. Last evaluated: 2024-07-03. Review status: criteria provided, single submitter. Criteria: ACMG Guidelines, 2015. Collection method: clinical testing. Allele origin: germline.

GeneDx
Classification: Likely benign. Last evaluated: 2018-05-10. Review status: criteria provided, single submitter. Criteria: GeneDx Variant Classification (06012015). Collection method: clinical testing. Allele origin: germline. Affected: yes.
Comment: This variant is considered likely benign or benign based on one or more of the following criteria: it is a conservative change, it occurs at a poorly conserved position in the protein, it is predicted to be benign by multiple in silico algorithms, and/or has population frequency not consistent with disease.

Clinical Genetics DNA and cytogenetics Diagnostics Lab, Erasmus MC, Erasmus Medical Center
Classification: Likely benign. Review status: no assertion criteria provided. Collection method: clinical testing. Allele origin: germline. Affected: yes. Study: VKGL Data-share Consensus. Not counted in ClinVar's aggregate classification.

Clinical Genetics, Academic Medical Center
Classification: Benign. Review status: no assertion criteria provided. Collection method: clinical testing. Allele origin: germline. Affected: yes. Study: VKGL Data-share Consensus. Not counted in ClinVar's aggregate classification.